The following is an entry in ClinVar:

ClinVar aggregate classification (germline): Conflicting classifications of pathogenicity. Review status: criteria provided, conflicting classifications (1 of 4 stars). 3 submissions from 3 submitters: Likely pathogenic (2); Uncertain significance (1). Last evaluated 2023-09-26.

Conditions:
Bartter syndrome. Identifiers: Orphanet 112, MedGen C0004775, MONDO:0015231.
Inborn genetic diseases. Identifiers: MedGen C0950123, MeSH D030342.

Allele frequency attached by ClinVar (database versions not stated): gnomAD exomes below 0.00001.
gnomAD v4.1: 6 of 1,612,006 alleles (0.00037%); highest among the groups gnomAD compares: East Asian, 0.0067%; no homozygotes.

Submissions (3):

Labcorp Genetics (formerly Invitae), Labcorp
Classification: Likely pathogenic. Last evaluated: 2023-09-26. Review status: criteria provided, single submitter. Criteria: Invitae Variant Classification Sherloc (09022015). Collection method: clinical testing. Allele origin: germline.
Comment: In summary, the currently available evidence indicates that the variant is pathogenic, but additional data are needed to prove that conclusively. Therefore, this variant has been classified as Likely Pathogenic. Algorithms developed to predict the effect of sequence changes on RNA splicing suggest that this variant may disrupt the consensus splice site. ClinVar contains an entry for this variant (Variation ID: 1704494). Disruption of this splice site has been observed in individual(s) with Bartter syndrome (PMID: 35358470). This variant is present in population databases (no rsID available, gnomAD 0.006%). This sequence change affects an acceptor splice site in intron 13 of the SLC12A1 gene. It is expected to disrupt RNA splicing. Variants that disrupt the donor or acceptor splice site typically lead to a loss of protein function (PMID: 16199547), and loss-of-function variants in SLC12A1 are known to be pathogenic (PMID: 8640224, 9585600, 19096086).

Ambry Genetics
Classification: Uncertain significance for Inborn genetic diseases. Last evaluated: 2023-05-08. Review status: criteria provided, single submitter. Criteria: Ambry Variant Classification Scheme 2023. Collection method: clinical testing. Allele origin: germline.
Comment: Resulting transcript is predicted to be in-frame and is not expected to trigger nonsense-mediated mRNA decay Based on insufficient or conflicting evidence, the clinical significance of this alteration remains unclear.

Women's Health and Genetics/Laboratory Corporation of America, LabCorp
Classification: Likely pathogenic for Bartter syndrome. Last evaluated: 2022-07-06. Review status: criteria provided, single submitter. Criteria: LabCorp Variant Classification Summary - May 2015. Collection method: clinical testing. Allele origin: germline.
Comment: Variant summary: SLC12A1 c.1685-2A>G is located in a canonical splice-site and is predicted to affect mRNA splicing resulting in a significantly altered protein due to either exon skipping, shortening, or inclusion of intronic material. Several computational tools predict a significant impact on normal splicing: Four predict the variant abolishes the canonical 3' acceptor site. However, these predictions have yet to be confirmed by functional studies. The variant allele was found at a frequency of 4e-06 in 251118 control chromosomes (gnomAD). c.1685-2A>G has been reported in a compound heterozygous individual affected with Bartter Syndrome (Example: Yi_2022). These data do not allow any conclusion about variant significance. To our knowledge, no experimental evidence demonstrating an impact on protein function has been reported. No clinical diagnostic laboratories have submitted clinical-significance assessments for this variant to ClinVar after 2014. Based on the evidence outlined above, the variant was classified as likely pathogenic.

Literature cited by the submitters: PubMed 35358470 (cited by 3 submitters); PubMed 16199547 (cited by Labcorp Genetics (formerly Invitae), Labcorp); PubMed 8640224 (cited by Labcorp Genetics (formerly Invitae), Labcorp); PubMed 9585600 (cited by Labcorp Genetics (formerly Invitae), Labcorp); PubMed 19096086 (cited by Labcorp Genetics (formerly Invitae), Labcorp).

NM_000338.3(SLC12A1):c.1685-2A>G

Gene: SLC12A1 (solute carrier family 12 member 1; plus strand). Cytogenetic location: 15q21.1.
Variant type: single nucleotide variant.
Coding change: c.1685-2A>G on transcript NM_000338.3 (MANE Select); the canonical splice acceptor site of the intron before coding-DNA position 1685, A replaced by G.
Molecular consequence: splice acceptor variant.
Genome position (GRCh38, 1-based): chr15:48,249,573, A>G. VCF-style: chr15-48249573-A-G. GRCh37 (hg19) VCF-style: chr15-48541770-A-G.
Other names: c.1685-2A>G (NM_001384136.1, NM_001184832.2).
Identifiers: ClinVar variation 1704494 (VCV001704494.6), dbSNP rs1465842300, ClinGen allele CA392313146.